The following is an entry in ClinVar:

NM_001377.3(DYNC2H1):c.6932_6946del (p.Thr2311_Val2316delinsIle)

Gene: DYNC2H1 (dynein cytoplasmic 2 heavy chain 1; plus strand). Cytogenetic location: 11q22.3.
Variant type: Deletion.
Coding change: c.6932_6946del on transcript NM_001377.3 (MANE Select); coding-DNA positions 6932 to 6946, 15 bases deleted (CTCAAATTGCTACAG).
Protein change: p.Thr2311_Val2316delinsIle.
Molecular consequence: inframe indel.
Genome position (GRCh38, 1-based): chr11:103,187,378-103,187,392, CTCAAATTGCTACAG deleted. VCF-style (leftmost placement, unchanged base first): chr11-103187377-ACTCAAATTGCTACAG-A. GRCh37 (hg19) VCF-style: chr11-103058106-ACTCAAATTGCTACAG-A.
Other names: c.6932_6946del, p.Thr2311_Val2316delinsIle (NM_001080463.2).
Identifiers: ClinVar variation 5018908 (VCV005018908.3).

ClinVar aggregate classification (germline): Uncertain significance (1 of 4 stars; one submission).

Conditions:
Asphyxiating thoracic dystrophy 3. Also called: Short rib polydactyly syndrome 2B; Saldino-Noonan Syndrome; POLYDACTYLY WITH NEONATAL CHONDRODYSTROPHY, TYPE I; SHORT-RIB THORACIC DYSPLASIA 3/6 WITH POLYDACTYLY, DIGENIC; SHORT-RIB THORACIC DYSPLASIA 3 WITH OR WITHOUT POLYDACTYLY. Identifiers: Orphanet 474, Orphanet 93269, Orphanet 93270, Orphanet 93271, MedGen C0036069, MONDO:0013127, OMIM 613091.

Submission:

Juno Genomics, Hangzhou Juno Genomics, Inc
Classification: Uncertain significance for Asphyxiating thoracic dystrophy 3. Review status: criteria provided, single submitter. Criteria: ACMG Guidelines, 2015. Collection method: clinical testing. Allele origin: germline.
Comment: Absent from controls (or at extremely low frequency if recessive) in Genome Aggregation Database.;Protein length changes due to in-frame deletions/insertions in a non-repeat region or stop-loss variants.